The following is an entry in ClinVar:

NM_024675.4(PALB2):c.2620G>T (p.Ala874Ser)

Gene: PALB2 (partner and localizer of BRCA2; minus strand). Cytogenetic location: 16p12.2.
Variant type: single nucleotide variant.
Coding change: c.2620G>T on transcript NM_024675.4 (MANE Select); coding-DNA position 2620, G replaced by T.
Protein change: p.Ala874Ser; replaces alanine 874 with serine.
Molecular consequence: missense variant.
Genome position (GRCh38, 1-based): chr16:23,626,364, C>A on the plus strand (G>T on the coding strand, the complement: PALB2 is on the minus strand). VCF-style: chr16-23626364-C-A. GRCh37 (hg19) VCF-style: chr16-23637685-C-A.
Other names: c.2560G>T, p.Ala854Ser (NM_001407296.1); c.2548G>T, p.Ala850Ser (NM_001407297.1); c.2620G>T, p.Ala874Ser (NM_001407299.1, NM_001407300.1, NM_001407301.1); c.1735G>T, p.Ala579Ser (NM_001407304.1, NM_001407305.1, NM_001407306.1 and 4 more transcripts); c.832G>T, p.Ala278Ser (NM_001407312.1, NM_001407313.1); c.154G>T, p.Ala52Ser (NM_001407314.1); short protein forms A854S, A579S, A52S, A278S, A850S, A874S.
Identifiers: ClinVar variation 1793949 (VCV001793949.8), dbSNP rs2142355885, ClinGen allele CA395122193.

ClinVar aggregate classification (germline): Uncertain significance. Review status: criteria provided, multiple submitters, no conflicts (2 of 4 stars). 2 submissions from 2 submitters: Uncertain significance (2). Last evaluated 2025-11-26.

Conditions:
Hereditary cancer-predisposing syndrome. Also called: Tumor predisposition; Hereditary Cancer Syndrome; Neoplastic Syndromes, Hereditary; Hereditary neoplastic syndrome. Identifiers: Orphanet 140162, MedGen C0027672, MeSH D009386, MONDO:0015356.
Familial cancer of breast. Also called: Hereditary breast cancer; BREAST CANCER, FAMILIAL; hereditary breast carcinoma. Identifiers: Orphanet 227535, MedGen C0346153, MONDO:0016419, OMIM 114480. Disease mechanism: loss of function.

Submissions (2):

Labcorp Genetics (formerly Invitae), Labcorp
Classification: Uncertain significance for Familial cancer of breast. Last evaluated: 2025-11-26. Review status: criteria provided, single submitter. Criteria: Invitae Variant Classification Sherloc (09022015). Collection method: clinical testing. Allele origin: germline.
Comment: This sequence change replaces alanine, which is neutral and non-polar, with serine, which is neutral and polar, at codon 874 of the PALB2 protein (p.Ala874Ser). This variant is not present in population databases (gnomAD no frequency). This variant has not been reported in the literature in individuals affected with PALB2-related conditions. ClinVar contains an entry for this variant (Variation ID: 1793949). Invitae Evidence Modeling of protein sequence and biophysical properties (such as structural, functional, and spatial information, amino acid conservation, physicochemical variation, residue mobility, and thermodynamic stability) indicates that this missense variant is not expected to disrupt PALB2 protein function with a negative predictive value of 80%. In summary, the available evidence is currently insufficient to determine the role of this variant in disease. Therefore, it has been classified as a Variant of Uncertain Significance.

Ambry Genetics
Classification: Uncertain significance for Hereditary cancer-predisposing syndrome. Last evaluated: 2025-07-18. Review status: criteria provided, single submitter. Criteria: Ambry Variant Classification Scheme 2023. Collection method: clinical testing. Allele origin: germline.
Comment: The p.A874S variant (also known as c.2620G>T), located in coding exon 7 of the PALB2 gene, results from a G to T substitution at nucleotide position 2620. The alanine at codon 874 is replaced by serine, an amino acid with similar properties. This amino acid position is conserved. In addition, this alteration is predicted to be tolerated by in silico analysis. Since supporting evidence is limited at this time, the clinical significance of this alteration remains unclear.